The following is an entry in ClinVar:

NM_012309.5(SHANK2):c.4979+8C>T

Gene: SHANK2 (SH3 and multiple ankyrin repeat domains 2; minus strand). Cytogenetic location: 11q13.3.
Variant type: single nucleotide variant.
Coding change: c.4979+8C>T on transcript NM_012309.5 (MANE Select); 8 bases into the intron after coding-DNA position 4979, C replaced by T.
Molecular consequence: intron variant.
Genome position (GRCh38, 1-based): chr11:70,485,306, G>A on the plus strand (C>T on the coding strand, the complement: SHANK2 is on the minus strand). VCF-style: chr11-70485306-G-A. GRCh37 (hg19) VCF-style: chr11-70331411-G-A.
Other names: c.3842+8C>T (NM_001379226.1); c.3215+8C>T (NM_133266.5).
Identifiers: ClinVar variation 3904974 (VCV003904974.11).

ClinVar aggregate classification (germline): Likely benign. Review status: criteria provided, multiple submitters, no conflicts (2 of 4 stars). 2 submissions from 2 submitters: Likely benign (2). Last evaluated 2025-05-01.

gnomAD v4.1: 23 of 1,612,618 alleles (0.0014%); highest among the groups gnomAD compares: African/African-American, 0.0093%; no homozygotes.

Submissions (2):

CeGaT Center for Human Genetics Tuebingen
Classification: Likely benign. Last evaluated: 2025-05-01. Review status: criteria provided, single submitter. Criteria: CeGaT Center For Human Genetics Tuebingen Variant Classification Criteria Version 2. Collection method: clinical testing. Allele origin: germline. Affected: yes. Observed: 1 variant allele.
Comment: SHANK2: BP4

Blueprint Genetics
Classification: Likely benign. Last evaluated: 2024-08-19. Review status: criteria provided, single submitter. Criteria: ACMG Guidelines, 2015. Collection method: clinical testing. Allele origin: germline.